The following is an entry in ClinVar:

NM_001457.4(FLNB):c.7568C>T (p.Ser2523Leu)

Genes: FLNB (filamin B; plus strand), FLNB-AS1 (FLNB antisense RNA 1; minus strand). Cytogenetic location: 3p14.3.
Variant type: single nucleotide variant.
Coding change: c.7568C>T on transcript NM_001457.4 (MANE Select); coding-DNA position 7568, C replaced by T.
Protein change: p.Ser2523Leu; replaces serine 2523 with leucine.
Molecular consequence: missense variant.
Genome position (GRCh38, 1-based): chr3:58,169,740, C>T. VCF-style: chr3-58169740-C-T. GRCh37 (hg19) VCF-style: chr3-58155467-C-T.
Other names: c.7661C>T, p.Ser2554Leu (NM_001164317.2); c.7535C>T, p.Ser2512Leu (NM_001164318.2); c.7496C>T, p.Ser2499Leu (NM_001164319.2); short protein forms S2499L, S2512L, S2523L, S2554L.
Identifiers: ClinVar variation 4801733 (VCV004801733.1).

ClinVar aggregate classification (germline): Uncertain significance (1 of 4 stars; one submission).

Submission:

Labcorp Genetics (formerly Invitae), Labcorp
Classification: Uncertain significance. Last evaluated: 2025-09-21. Review status: criteria provided, single submitter. Criteria: Invitae Variant Classification Sherloc (09022015). Collection method: clinical testing. Allele origin: germline.
Comment: This sequence change replaces serine, which is neutral and polar, with leucine, which is neutral and non-polar, at codon 2523 of the FLNB protein (p.Ser2523Leu). This variant is not present in population databases (gnomAD no frequency). This variant has not been reported in the literature in individuals affected with FLNB-related conditions. Invitae Evidence Modeling of protein sequence and biophysical properties (such as structural, functional, and spatial information, amino acid conservation, physicochemical variation, residue mobility, and thermodynamic stability) indicates that this missense variant is not expected to disrupt FLNB protein function with a negative predictive value of 95%. In summary, the available evidence is currently insufficient to determine the role of this variant in disease. Therefore, it has been classified as a Variant of Uncertain Significance.